The following is an entry in ClinVar:

ClinVar aggregate classification (germline): Likely benign. Review status: criteria provided, multiple submitters, no conflicts (2 of 4 stars). 2 submissions from 2 submitters: Likely benign (2). Last evaluated 2023-03-26.

Conditions:
Fanconi anemia (FA). Also called: Fanconi's anemia. Identifiers: Orphanet 84, MedGen C0015625, MeSH D005199, MONDO:0019391.

Allele frequency attached by ClinVar (database versions not stated): gnomAD exomes below 0.00001; gnomAD 0.00001.
gnomAD v4.1: 3 of 1,612,890 alleles (0.00019%); highest among the groups gnomAD compares: Non-Finnish European, 0.00025%; no homozygotes.

Submissions (2):

Labcorp Genetics (formerly Invitae), Labcorp
Classification: Likely benign for Fanconi anemia. Last evaluated: 2023-03-26. Review status: criteria provided, single submitter. Criteria: Invitae Variant Classification Sherloc (09022015). Collection method: clinical testing. Allele origin: germline.

GeneDx
Classification: Likely benign. Last evaluated: 2017-01-03. Review status: criteria provided, single submitter. Criteria: GeneDx Variant Classification (06012015). Collection method: clinical testing. Allele origin: germline. Affected: yes.
Comment: This variant is considered likely benign or benign based on one or more of the following criteria: it is a conservative change, it occurs at a poorly conserved position in the protein, it is predicted to be benign by multiple in silico algorithms, and/or has population frequency not consistent with disease.

NM_000136.3(FANCC):c.997-6T>C

Genes: AOPEP (aminopeptidase O (putative); plus strand), FANCC (FA complementation group C; minus strand). Cytogenetic location: 9q22.32.
Variant type: single nucleotide variant.
Coding change: c.997-6T>C on transcript NM_000136.3 (MANE Select); 6 bases into the intron before coding-DNA position 997, T replaced by C.
Molecular consequence: intron variant.
Genome position (GRCh38, 1-based): chr9:95,117,396, A>G on the plus strand (T>C on the coding strand, the complement: FANCC is on the minus strand). VCF-style: chr9-95117396-A-G. GRCh37 (hg19) VCF-style: chr9-97879678-A-G.
Other names: c.997-6T>C (NM_001243743.2, NM_001243744.2).
Identifiers: ClinVar variation 392721 (VCV000392721.9), dbSNP rs1057524604, ClinGen allele CA16605743.